The following is an entry in ClinVar:

NM_001291303.3(FAT4):c.14325G>A (p.Pro4775=)

Gene: FAT4 (FAT atypical cadherin 4; plus strand). Cytogenetic location: 4q28.1.
Variant type: single nucleotide variant.
Coding change: c.14325G>A on transcript NM_001291303.3 (MANE Select); coding-DNA position 14325, G replaced by A.
Protein change: p.Pro4775=; no amino-acid change (proline 4775 retained).
Molecular consequence: synonymous variant.
Genome position (GRCh38, 1-based): chr4:125,491,141, G>A. VCF-style: chr4-125491141-G-A. GRCh37 (hg19) VCF-style: chr4-126412296-G-A.
Other names: c.14322G>A, p.Pro4774= (NM_001291285.3); c.14319G>A, p.Pro4773= (NM_024582.6).
Identifiers: ClinVar variation 388861 (VCV000388861.14), dbSNP rs758537642, ClinGen allele CA3074539.

ClinVar aggregate classification (germline): Likely benign. Review status: criteria provided, multiple submitters, no conflicts (2 of 4 stars). 5 submissions from 5 submitters: Likely benign (4). 1 of the submissions does not count toward it. Last evaluated 2025-11-17.

Conditions:
FAT4-related disorder. Also called: FAT4-related condition.

Allele frequency attached by ClinVar (database versions not stated): gnomAD 0.00011 and 0.00013; TOPMed 0.00011; gnomAD exomes 0.00012; ExAC 0.00014.
gnomAD v4.1: 177 of 1,614,026 alleles (0.011%); highest among the groups gnomAD compares: Middle Eastern, 0.066%; no homozygotes.

Submissions (5):

Labcorp Genetics (formerly Invitae), Labcorp
Classification: Likely benign. Last evaluated: 2025-11-17. Review status: criteria provided, single submitter. Criteria: Invitae Variant Classification Sherloc (09022015). Collection method: clinical testing. Allele origin: germline.

Blueprint Genetics
Classification: Likely benign. Last evaluated: 2024-06-18. Review status: criteria provided, single submitter. Criteria: ACMG Guidelines, 2015. Collection method: clinical testing. Allele origin: germline.

GeneDx
Classification: Likely benign. Last evaluated: 2019-12-09. Review status: criteria provided, single submitter. Criteria: GeneDx Variant Classification Process June 2021. Collection method: clinical testing. Allele origin: germline. Affected: yes.

Breakthrough Genomics
Classification: Likely benign. Review status: criteria provided, single submitter. Criteria: ACMG Guidelines, 2015. Collection method: not provided. Allele origin: germline. Inheritance: Autosomal recessive inheritance. Affected: yes.

PreventionGenetics, part of Exact Sciences
Classification: Likely benign for FAT4-related condition. Last evaluated: 2022-11-07. Review status: no assertion criteria provided. Collection method: clinical testing. Allele origin: germline. Not counted in ClinVar's aggregate classification.
Comment: This variant is classified as likely benign based on ACMG/AMP sequence variant interpretation guidelines (Richards et al. 2015 PMID: 25741868, with internal and published modifications).